The following is an entry in ClinVar:

NM_203447.4(DOCK8):c.3508G>A (p.Ala1170Thr)

Gene: DOCK8 (dedicator of cytokinesis 8; plus strand). Cytogenetic location: 9p24.3.
Variant type: single nucleotide variant.
Coding change: c.3508G>A on transcript NM_203447.4 (MANE Select); coding-DNA position 3508, G replaced by A.
Protein change: p.Ala1170Thr; replaces alanine 1170 with threonine.
Molecular consequence: missense variant.
Genome position (GRCh38, 1-based): chr9:407,047, G>A. VCF-style: chr9-407047-G-A. GRCh37 (hg19) VCF-style: chr9-407047-G-A.
Other names: c.3208G>A, p.Ala1070Thr (NM_001190458.2); c.3304G>A, p.Ala1102Thr (NM_001193536.2); short protein forms A1102T, A1170T, A1070T.
Identifiers: ClinVar variation 951087 (VCV000951087.11), dbSNP rs749729496, ClinGen allele CA4958705.

ClinVar aggregate classification (germline): Uncertain significance. Review status: criteria provided, multiple submitters, no conflicts (2 of 4 stars). 3 submissions from 3 submitters: Uncertain significance (3). Last evaluated 2025-12-03.

Conditions:
Inborn genetic diseases. Identifiers: MedGen C0950123, MeSH D030342.
Combined immunodeficiency due to DOCK8 deficiency (HIES2). Also called: HIES autosomal recessive; Hyper-IgE recurrent infection syndrome, autosomal recessive; HYPER-IgE SYNDROME 2, AUTOSOMAL RECESSIVE, WITH RECURRENT INFECTIONS; DOCK8 Deficiency; HYPER-IgE RECURRENT INFECTION SYNDROME 2, AUTOSOMAL RECESSIVE. Identifiers: Orphanet 217390, MedGen C4722305, MONDO:0009478, OMIM 243700.

Allele frequency attached by ClinVar (database versions not stated): gnomAD exomes below 0.00001 and 0.00001; ExAC 0.00001; TOPMed 0.00001.
gnomAD v4.1: 9 of 1,614,136 alleles (0.00056%); highest among the groups gnomAD compares: East Asian, 0.0022%; no homozygotes.

Submissions (3):

Labcorp Genetics (formerly Invitae), Labcorp
Classification: Uncertain significance for Combined immunodeficiency due to DOCK8 deficiency. Last evaluated: 2025-12-03. Review status: criteria provided, single submitter. Criteria: Invitae Variant Classification Sherloc (09022015). Collection method: clinical testing. Allele origin: germline.
Comment: This sequence change replaces alanine, which is neutral and non-polar, with threonine, which is neutral and polar, at codon 1170 of the DOCK8 protein (p.Ala1170Thr). This variant is present in population databases (rs749729496, gnomAD 0.006%). This variant has not been reported in the literature in individuals affected with DOCK8-related conditions. ClinVar contains an entry for this variant (Variation ID: 951087). Invitae Evidence Modeling of protein sequence and biophysical properties (such as structural, functional, and spatial information, amino acid conservation, physicochemical variation, residue mobility, and thermodynamic stability) indicates that this missense variant is not expected to disrupt DOCK8 protein function with a negative predictive value of 80%. In summary, the available evidence is currently insufficient to determine the role of this variant in disease. Therefore, it has been classified as a Variant of Uncertain Significance.

Ambry Genetics
Classification: Uncertain significance for Inborn genetic diseases. Last evaluated: 2024-06-26. Review status: criteria provided, single submitter. Criteria: Ambry Variant Classification Scheme 2023. Collection method: clinical testing. Allele origin: germline.

GeneDx
Classification: Uncertain significance. Last evaluated: 2019-10-02. Review status: criteria provided, single submitter. Criteria: GeneDx Variant Classification Process June 2021. Collection method: clinical testing. Allele origin: germline. Affected: yes.
Comment: Not observed at a significant frequency in large population cohorts (Lek et al., 2016); In silico analysis, which includes protein predictors and evolutionary conservation, supports that this variant does not alter protein structure/function; Has not been previously published as pathogenic or benign to our knowledge